The following is an entry in ClinVar:

ClinVar aggregate classification (germline): Benign/Likely benign. Review status: criteria provided, multiple submitters, no conflicts (2 of 4 stars). 3 submissions from 3 submitters: Benign (1); Likely benign (1). 1 of the submissions does not count toward it. Last evaluated 2025-08-04.

Conditions:
KANK4-related disorder. Also called: KANK4-related condition.

Allele frequency attached by ClinVar (database versions not stated): gnomAD exomes 0.00013; ExAC 0.00065; gnomAD 0.00178; TOPMed 0.00192; 1000 Genomes Project 0.00240; 1000 Genomes Project 30x 0.00250; ESP Exome Variant Server 0.00292.

Submissions (3):

Ambry Genetics
Classification: Likely benign. Last evaluated: 2025-08-04. Review status: criteria provided, single submitter. Criteria: Ambry Variant Classification Scheme 2023. Collection method: clinical testing. Allele origin: germline.

Labcorp Genetics (formerly Invitae), Labcorp
Classification: Benign. Last evaluated: 2025-06-12. Review status: criteria provided, single submitter. Criteria: Invitae Variant Classification Sherloc (09022015). Collection method: clinical testing. Allele origin: germline.

PreventionGenetics, part of Exact Sciences
Classification: Likely benign for KANK4-related condition. Last evaluated: 2019-07-01. Review status: no assertion criteria provided. Collection method: clinical testing. Allele origin: germline. Not counted in ClinVar's aggregate classification.
Comment: This variant is classified as likely benign based on ACMG/AMP sequence variant interpretation guidelines (Richards et al. 2015 PMID: 25741868, with internal and published modifications).

NM_181712.5(KANK4):c.749C>T (p.Pro250Leu)

Gene: KANK4 (KN motif and ankyrin repeat domains 4; minus strand). Cytogenetic location: 1p31.3.
Variant type: single nucleotide variant.
Coding change: c.749C>T on transcript NM_181712.5 (MANE Select); coding-DNA position 749, C replaced by T.
Protein change: p.Pro250Leu; replaces proline 250 with leucine.
Molecular consequence: missense variant. On other transcripts: intron variant (1).
Genome position (GRCh38, 1-based): chr1:62,274,355, G>A on the plus strand (C>T on the coding strand, the complement: KANK4 is on the minus strand). VCF-style: chr1-62274355-G-A. GRCh37 (hg19) VCF-style: chr1-62740027-G-A.
Other names: c.17-2766C>T (NM_001320269.2); c.749C>T (NM_181712.4); short protein forms P250L.
Identifiers: ClinVar variation 2070209 (VCV002070209.7), dbSNP rs139008479, ClinGen allele CA884504.